The following is an entry in ClinVar:

ClinVar aggregate classification (germline): Uncertain significance. Review status: criteria provided, multiple submitters, no conflicts (2 of 4 stars). 3 submissions from 3 submitters: Uncertain significance (2). 1 of the submissions does not count toward it. Last evaluated 2022-04-22.

Conditions:
TG-related disorder. Also called: TG-related condition; TG-related disorders.
Iodotyrosyl coupling defect (TDH3). Also called: THYROID HORMONOGENESIS, GENETIC DEFECT IN, 3; HYPOTHYROIDISM, CONGENITAL, DUE TO DYSHORMONOGENESIS, 3. Identifiers: Orphanet 95716, MedGen C0342194, MONDO:0010135, OMIM 274700.
Inborn genetic diseases. Identifiers: MedGen C0950123, MeSH D030342.

Allele frequency attached by ClinVar (database versions not stated): ExAC 0.00020; 1000 Genomes Project 30x 0.00016; 1000 Genomes Project 0.00020; gnomAD exomes 0.00023 and 0.00025; ESP Exome Variant Server 0.00015; TOPMed 0.00017; gnomAD 0.00028.

Submissions (3):

Ambry Genetics
Classification: Uncertain significance for Inborn genetic diseases. Last evaluated: 2022-04-22. Review status: criteria provided, single submitter. Criteria: Ambry Variant Classification Scheme 2023. Collection method: clinical testing. Allele origin: germline.

Illumina Laboratory Services, Illumina
Classification: Uncertain significance for Iodotyrosyl coupling defect. Last evaluated: 2018-01-13. Review status: criteria provided, single submitter. Criteria: ICSL Variant Classification Criteria 13 December 2019. Collection method: clinical testing. Allele origin: germline.

PreventionGenetics, part of Exact Sciences
Classification: Uncertain significance for TG-related condition. Last evaluated: 2024-03-26. Review status: no assertion criteria provided. Collection method: clinical testing. Allele origin: germline. Not counted in ClinVar's aggregate classification.
Comment: The TG c.1325A>G variant is predicted to result in the amino acid substitution p.Glu442Gly. To our knowledge, this variant has not been reported in the literature. This variant is reported in 0.054% of alleles in individuals of European (Non-Finnish) descent in gnomAD. At this time, the clinical significance of this variant is uncertain due to the absence of conclusive functional and genetic evidence.

NM_003235.5(TG):c.1325A>G (p.Glu442Gly)

Gene: TG (thyroglobulin; plus strand). Cytogenetic location: 8q24.22.
Variant type: single nucleotide variant.
Coding change: c.1325A>G on transcript NM_003235.5 (MANE Select); coding-DNA position 1325, A replaced by G.
Protein change: p.Glu442Gly; replaces glutamic acid 442 with glycine.
Molecular consequence: missense variant.
Genome position (GRCh38, 1-based): chr8:132,886,697, A>G. VCF-style: chr8-132886697-A-G. GRCh37 (hg19) VCF-style: chr8-133898942-A-G.
Other names: short protein forms E442G.
Identifiers: ClinVar variation 909917 (VCV000909917.7), dbSNP rs149822114, ClinGen allele CA4883161.